The following is an entry in ClinVar:

NM_001572.5(IRF7):c.595G>A (p.Ala199Thr)

Gene: IRF7 (interferon regulatory factor 7; minus strand). Cytogenetic location: 11p15.5.
Variant type: single nucleotide variant.
Coding change: c.595G>A on transcript NM_001572.5 (MANE Select); coding-DNA position 595, G replaced by A.
Protein change: p.Ala199Thr; replaces alanine 199 with threonine.
Molecular consequence: missense variant.
Genome position (GRCh38, 1-based): chr11:614,258, C>T on the plus strand (G>A on the coding strand, the complement: IRF7 is on the minus strand). VCF-style: chr11-614258-C-T. GRCh37 (hg19) VCF-style: chr11-614258-C-T.
Other names: c.595G>A, p.Ala199Thr (NM_004029.4); c.634G>A, p.Ala212Thr (NM_004031.4); short protein forms A199T, A212T.
Identifiers: ClinVar variation 3643797 (VCV003643797.2).

ClinVar aggregate classification (germline): Uncertain significance (1 of 4 stars; one submission).

Conditions:
Immunodeficiency 39 (IMD39). Identifiers: Orphanet 574918, MedGen C4225358, MONDO:0014597, OMIM 616345.

Submission:

Labcorp Genetics (formerly Invitae), Labcorp
Classification: Uncertain significance for Immunodeficiency 39. Last evaluated: 2024-03-01. Review status: criteria provided, single submitter. Criteria: Invitae Variant Classification Sherloc (09022015). Collection method: clinical testing. Allele origin: germline.
Comment: This sequence change replaces alanine, which is neutral and non-polar, with threonine, which is neutral and polar, at codon 212 of the IRF7 protein (p.Ala212Thr). This variant is not present in population databases (gnomAD no frequency). This variant has not been reported in the literature in individuals affected with IRF7-related conditions. Advanced modeling of protein sequence and biophysical properties (such as structural, functional, and spatial information, amino acid conservation, physicochemical variation, residue mobility, and thermodynamic stability) performed at Invitae indicates that this missense variant is not expected to disrupt IRF7 protein function with a negative predictive value of 80%. In summary, the available evidence is currently insufficient to determine the role of this variant in disease. Therefore, it has been classified as a Variant of Uncertain Significance.